The following is an entry in ClinVar:

ClinVar aggregate classification (germline): Likely benign (0 of 4 stars; one submission).

Conditions:
YRDC-related disorder. Also called: YRDC-related condition.

Submission:

PreventionGenetics, part of Exact Sciences
Classification: Likely benign for YRDC-related condition. Last evaluated: 2023-12-08. Review status: no assertion criteria provided. Collection method: clinical testing. Allele origin: germline.
Comment: This variant is classified as likely benign based on ACMG/AMP sequence variant interpretation guidelines (Richards et al. 2015 PMID: 25741868, with internal and published modifications).

NM_024640.4(YRDC):c.36C>T (p.Ala12=)

Genes: C1orf122 (chromosome 1 open reading frame 122; plus strand), YRDC (yrdC N6-threonylcarbamoyltransferase domain containing; minus strand). Cytogenetic location: 1p34.3.
Variant type: single nucleotide variant.
Coding change: c.36C>T on transcript NM_024640.4 (MANE Select); coding-DNA position 36, C replaced by T.
Protein change: p.Ala12=; no amino-acid change (alanine 12 retained).
Molecular consequence: synonymous variant. On other transcripts: 5 prime UTR variant (2).
Genome position (GRCh38, 1-based): chr1:37,808,145, G>A on the plus strand (C>T on the coding strand, the complement: YRDC is on the minus strand). VCF-style: chr1-37808145-G-A. GRCh37 (hg19) VCF-style: chr1-38273817-G-A.
Other names: c.-316G>A (NM_001142726.2); c.-260G>A (NM_198446.3).
Identifiers: ClinVar variation 3036271 (VCV003036271.2), dbSNP rs1030377194, ClinGen allele CA20851835.